The following is an entry in ClinVar:

ClinVar aggregate classification (germline): Uncertain significance (1 of 4 stars; one submission).

Submission:

Labcorp Genetics (formerly Invitae), Labcorp
Classification: Uncertain significance. Last evaluated: 2021-02-23. Review status: criteria provided, single submitter. Criteria: Invitae Variant Classification Sherloc (09022015). Collection method: clinical testing. Allele origin: germline.
Comment: This variant is not present in population databases (ExAC no frequency). This variant has not been reported in the literature in individuals with SAMD11-related conditions. This sequence change replaces serine with asparagine at codon 54 of the SAMD11 protein (p.Ser54Asn). The serine residue is weakly conserved and there is a small physicochemical difference between serine and asparagine. Algorithms developed to predict the effect of missense changes on protein structure and function are either unavailable or do not agree on the potential impact of this missense change (SIFT: "Deleterious"; PolyPhen-2: "Benign"; Align-GVGD: "Class C0"). In summary, the available evidence is currently insufficient to determine the role of this variant in disease. Therefore, it has been classified as a Variant of Uncertain Significance.

NM_001385641.1(SAMD11):c.698G>A (p.Ser233Asn)

Gene: SAMD11 (sterile alpha motif domain containing 11; plus strand). Cytogenetic location: 1p36.33.
Variant type: single nucleotide variant.
Coding change: c.698G>A on transcript NM_001385641.1 (MANE Select); coding-DNA position 698, G replaced by A.
Protein change: p.Ser233Asn; replaces serine 233 with asparagine.
Molecular consequence: missense variant.
Genome position (GRCh38, 1-based): chr1:930,243, G>A. VCF-style: chr1-930243-G-A. GRCh37 (hg19) VCF-style: chr1-865623-G-A.
Other names: c.698G>A, p.Ser233Asn (NM_001385640.1); c.161G>A, p.Ser54Asn (NM_152486.4); short protein forms S233N, S54N.
Identifiers: ClinVar variation 1497763 (VCV001497763.8), dbSNP rs758467926, ClinGen allele CA337791760.